The following is an entry in ClinVar:

ClinVar aggregate classification (germline): Pathogenic (1 of 4 stars; one submission).

Conditions:
Hereditary cancer-predisposing syndrome. Also called: Neoplastic Syndromes, Hereditary; Tumor predisposition; Hereditary Cancer Syndrome; Hereditary neoplastic syndrome. Identifiers: Orphanet 140162, MedGen C0027672, MeSH D009386, MONDO:0015356.

Submission:

Ambry Genetics
Classification: Pathogenic for Hereditary cancer-predisposing syndrome. Last evaluated: 2025-07-31. Review status: criteria provided, single submitter. Criteria: Ambry Variant Classification Scheme 2023. Collection method: clinical testing. Allele origin: germline.
Comment: The c.694_715del22insTGAGAGCTGAAGACCCTGGCCT pathogenic mutation, located in coding exon 8 of the RAD51D gene, results from a deletion of 22 nucleotides (CGAGAGCTGAAGACCCTGGCCC) and insertion of 22 nucleotides (TGAGAGCTGAAGACCCTGGCCT) at nucleotide positions 694 to 715. This results in a premature stop codon at codon 232 (p.R232*). This variant is considered to be rare based on population cohorts in the Genome Aggregation Database (gnomAD). This alteration is expected to result in loss of function by premature protein truncation or nonsense-mediated mRNA decay. As such, this alteration is interpreted as a disease-causing mutation.

NM_002878.4(RAD51D):c.694_715delinsTGAGAGCTGAAGACCCTGGCCT (p.Arg232_Arg239delinsTer)

Genes: RAD51D (RAD51 paralog D; minus strand), RAD51L3-RFFL (RAD51L3-RFFL readthrough; minus strand). Cytogenetic location: 17q12.
Variant type: Indel.
Coding change: c.694_715delinsTGAGAGCTGAAGACCCTGGCCT on transcript NM_002878.4 (MANE Select); coding-DNA positions 694 to 715, CGAGAGCTGAAGACCCTGGCCC replaced by TGAGAGCTGAAGACCCTGGCCT.
Protein change: p.Arg232_Arg239delinsTer.
Molecular consequence: nonsense. On other transcripts: non-coding transcript variant (3).
Genome position (GRCh38, 1-based): chr17:35,103,277-35,103,298, GGGCCAGGGTCTTCAGCTCTCG replaced by AGGCCAGGGTCTTCAGCTCTCA on the plus strand (CGAGAGCTGAAGACCCTGGCCC replaced by TGAGAGCTGAAGACCCTGGCCT on the coding strand, the reverse complement: RAD51D is on the minus strand). GRCh37 (hg19): chr17:33,430,296-33,430,317.
Other names: c.754_775delinsTGAGAGCTGAAGACCCTGGCCT, p.Arg252_Arg259delinsTer (NM_001142571.2); c.358_379delinsTGAGAGCTGAAGACCCTGGCCT, p.Arg120_Arg127delinsTer (NM_133629.3); short protein forms R232*.
Identifiers: ClinVar variation 1756261 (VCV001756261.3), dbSNP rs2509128875, ClinGen allele CA2580093459.